The following is an entry in ClinVar:

NM_001369.3(DNAH5):c.9557del (p.Lys3186fs)

Gene: DNAH5 (dynein axonemal heavy chain 5; minus strand). Cytogenetic location: 5p15.2.
Variant type: Deletion.
Coding change: c.9557del on transcript NM_001369.3 (MANE Select); coding-DNA position 9557, one base deleted (A; older notation c.9557delA).
Protein change: p.Lys3186fs; shifts the reading frame from lysine 3186.
Molecular consequence: frameshift variant.
Genome position (GRCh38, 1-based): chr5:13,770,797, T deleted on the plus strand (A on the coding strand, the reverse complement: DNAH5 is on the minus strand); the first of 2 consecutive T bases (chr5:13,770,797-13,770,798); deleting either gives the same sequence. VCF-style (leftmost placement, unchanged base first): chr5-13770796-CT-C. GRCh37 (hg19) VCF-style: chr5-13770905-CT-C.
Other names: short protein forms K3186fs.
Identifiers: ClinVar variation 1451692 (VCV001451692.6), dbSNP rs2126785666, ClinGen allele CA2573138458.

ClinVar aggregate classification (germline): Pathogenic (1 of 4 stars; one submission).

Conditions:
Primary ciliary dyskinesia. Also called: Ciliary dyskinesia. Identifiers: Orphanet 244, MedGen C0008780, MONDO:0016575, HP:0012265.

Submission:

Labcorp Genetics (formerly Invitae), Labcorp
Classification: Pathogenic for Primary ciliary dyskinesia. Last evaluated: 2022-07-06. Review status: criteria provided, single submitter. Criteria: Invitae Variant Classification Sherloc (09022015). Collection method: clinical testing. Allele origin: germline.
Comment: This sequence change creates a premature translational stop signal (p.Lys3186Serfs*18) in the DNAH5 gene. It is expected to result in an absent or disrupted protein product. Loss-of-function variants in DNAH5 are known to be pathogenic (PMID: 11788826, 16627867). This variant is not present in population databases (gnomAD no frequency). This variant has not been reported in the literature in individuals affected with DNAH5-related conditions. ClinVar contains an entry for this variant (Variation ID: 1451692). For these reasons, this variant has been classified as Pathogenic.

Literature cited by the submitters: PubMed 11788826; PubMed 16627867.